The following is an entry in ClinVar:

NM_001369369.1(FOXN1):c.31G>T (p.Val11Phe)

Gene: FOXN1 (forkhead box N1; plus strand). Cytogenetic location: 17q11.2.
Variant type: single nucleotide variant.
Coding change: c.31G>T on transcript NM_001369369.1 (MANE Select); coding-DNA position 31, G replaced by T.
Protein change: p.Val11Phe; replaces valine 11 with phenylalanine.
Molecular consequence: missense variant.
Genome position (GRCh38, 1-based): chr17:28,524,000, G>T. VCF-style: chr17-28524000-G-T. GRCh37 (hg19) VCF-style: chr17-26851018-G-T.
Other names: c.31G>T, p.Val11Phe (NM_003593.3); short protein forms V11F.
Identifiers: ClinVar variation 4692177 (VCV004692177.1).
Genomic context (GRCh38, chr17:28,524,000, plus strand): 5'-GACGGCTTTCTTTGAGGCCAGGACTGGGTGATGGTGTCGCTACCCCCGCCGCAGTCTGAC[G>T]TCACGCTGCCGGGCCCCACCAGACTGGAGGGCGAGCGCCAAGGGGACCTCATGCAGGCAC-3'
Protein context (NP_001356298.1, residues 1-21): MVSLPPPQSD[Val11Phe]TLPGPTRLEG

ClinVar aggregate classification (germline): Uncertain significance (1 of 4 stars; one submission).

Conditions:
T-cell immunodeficiency, congenital alopecia, and nail dystrophy. Also called: Congenital alopecia and nail dystrophy associated with severe functional T-cell immunodeficiency; Pignata Guarino syndrome. Identifiers: Orphanet 169095, MedGen C1866426, MONDO:0011132, OMIM 601705.

gnomAD v4.1: 2 of 1,613,058 alleles (0.00012%); highest among the groups gnomAD compares: South Asian, 0.0022%; no homozygotes.

Submission:

Labcorp Genetics (formerly Invitae), Labcorp
Classification: Uncertain significance for T-cell immunodeficiency, congenital alopecia, and nail dystrophy. Last evaluated: 2025-11-08. Review status: criteria provided, single submitter. Criteria: Invitae Variant Classification Sherloc (09022015). Collection method: clinical testing. Allele origin: germline.
Comment: This sequence change replaces valine, which is neutral and non-polar, with phenylalanine, which is neutral and non-polar, at codon 11 of the FOXN1 protein (p.Val11Phe). This variant is present in population databases (rs375839642, gnomAD 0.003%). This variant has not been reported in the literature in individuals affected with FOXN1-related conditions. An algorithm developed to predict the effect of missense changes on protein structure and function (PolyPhen-2) suggests that this variant is likely to be tolerated. In summary, the available evidence is currently insufficient to determine the role of this variant in disease. Therefore, it has been classified as a Variant of Uncertain Significance.